The following is an entry in ClinVar:

NM_015338.6(ASXL1):c.3388A>C (p.Met1130Leu)

Gene: ASXL1 (ASXL transcriptional regulator 1; plus strand). Cytogenetic location: 20q11.21.
Variant type: single nucleotide variant.
Coding change: c.3388A>C on transcript NM_015338.6 (MANE Select); coding-DNA position 3388, A replaced by C.
Protein change: p.Met1130Leu; replaces methionine 1130 with leucine.
Molecular consequence: missense variant.
Genome position (GRCh38, 1-based): chr20:32,436,100, A>C. VCF-style: chr20-32436100-A-C. GRCh37 (hg19) VCF-style: chr20-31023903-A-C.
Other names: c.3205A>C, p.Met1069Leu (NM_001363734.1); short protein forms M1069L, M1130L.
Identifiers: ClinVar variation 3780094 (VCV003780094.2).
Genomic context (GRCh38, chr20:32,436,100, plus strand): 5'-CAGTTGCTGCAGGGTAGCTTGCCCCTAGAGAAGGTTCTTCCACCAGCCCACGATGACAGC[A>C]TGTCAGAATCCCCACAAGTACCACTTACAAAAGACCAGAGCCATGGCTCGCTACGCATGG-3'
Protein context (NP_056153.2, residues 1120-1140): KVLPPAHDDS[Met1130Leu]SESPQVPLTK

ClinVar aggregate classification (germline): Uncertain significance. Review status: criteria provided, multiple submitters, no conflicts (2 of 4 stars). 2 submissions from 2 submitters: Uncertain significance (2). Last evaluated 2025-08-09.

Conditions:
Inborn genetic diseases. Identifiers: MedGen C0950123, MeSH D030342.
Bohring-Opitz syndrome. Also called: C-LIKE SYNDROME; BOHRING SYNDROME; OPITZ TRIGONOCEPHALY-LIKE SYNDROME; ASXL1-Related Bohring-Opitz Syndrome. Identifiers: Orphanet 97297, MedGen C0796232, MONDO:0011510, OMIM 605039.

Submissions (2):

Ambry Genetics
Classification: Uncertain significance for Inborn genetic diseases. Last evaluated: 2025-08-09. Review status: criteria provided, single submitter. Criteria: Ambry Variant Classification Scheme 2023. Collection method: clinical testing. Allele origin: germline.
Comment: The p.M1130L variant (also known as c.3388A>C), located in coding exon 13 of the ASXL1 gene, results from an A to C substitution at nucleotide position 3388. The methionine at codon 1130 is replaced by leucine, an amino acid with highly similar properties. This amino acid position is conserved. In addition, this alteration is predicted to be tolerated by in silico analysis. Based on the available evidence, the clinical significance of this variant remains unclear.

Department of Pathology and Laboratory Medicine, Sinai Health System
Classification: Uncertain significance for Bohring-Opitz syndrome. Last evaluated: 2022-03-23. Review status: criteria provided, single submitter. Criteria: ACMG Guidelines, 2015. Collection method: research. Allele origin: germline.